The following is an entry in ClinVar:

NM_001329.4(CTBP2):c.58+12230T>G

Gene: CTBP2 (C-terminal binding protein 2; minus strand). Cytogenetic location: 10q26.13.
Variant type: single nucleotide variant.
Coding change: c.58+12230T>G on transcript NM_001329.4 (MANE Select); 12230 bases into the intron after coding-DNA position 58, T replaced by G.
Molecular consequence: intron variant. On other transcripts: synonymous variant (1).
Genome position (GRCh38, 1-based): chr10:125,026,767, A>C on the plus strand (T>G on the coding strand, the complement: CTBP2 is on the minus strand). VCF-style: chr10-125026767-A-C. GRCh37 (hg19) VCF-style: chr10-126715336-A-C.
Other names: c.993T>G, p.Ser331= (NM_022802.3); c.58+12230T>G (NM_001083914.3, NM_001290214.3, NM_001321012.2 and 3 more transcripts).
Identifiers: ClinVar variation 3055717 (VCV003055717.6), dbSNP rs142101185, ClinGen allele CA5736377.

ClinVar aggregate classification (germline): Likely benign. Review status: criteria provided, single submitter (1 of 4 stars). 2 submissions from 2 submitters: Likely benign (1). 1 of the submissions does not count toward it. Last evaluated 2026-04-01.

Conditions:
CTBP2-related disorder. Also called: CTBP2-related condition.

Allele frequency attached by ClinVar (database versions not stated): 1000 Genomes Project 30x 0.00031; 1000 Genomes Project 0.00040; ExAC 0.00106; ESP Exome Variant Server 0.00108; TOPMed 0.00113; gnomAD 0.00121; gnomAD exomes 0.00207.
gnomAD v4.1: 3,211 of 1,613,060 alleles (0.2%); highest among the groups gnomAD compares: Non-Finnish European, 0.25%; 5 homozygotes.

Submissions (2):

CeGaT Center for Human Genetics Tuebingen
Classification: Likely benign. Last evaluated: 2026-04-01. Review status: criteria provided, single submitter. Criteria: CeGaT Center For Human Genetics Tuebingen Variant Classification Criteria Version 2. Collection method: clinical testing. Allele origin: germline. Affected: yes. Observed: 2 variant alleles.
Comment: CTBP2: BP4, BP7

PreventionGenetics, part of Exact Sciences
Classification: Likely benign for CTBP2-related condition. Last evaluated: 2019-04-30. Review status: no assertion criteria provided. Collection method: clinical testing. Allele origin: germline. Not counted in ClinVar's aggregate classification.
Comment: This variant is classified as likely benign based on ACMG/AMP sequence variant interpretation guidelines (Richards et al. 2015 PMID: 25741868, with internal and published modifications).